The following is an entry in ClinVar:

ClinVar aggregate classification (germline): Uncertain significance (1 of 4 stars; one submission).

Conditions:
Inborn genetic diseases. Identifiers: MedGen C0950123, MeSH D030342.

gnomAD v4.1: 1 of 1,614,204 alleles (0.000062%); highest among the groups gnomAD compares: Non-Finnish European, 0.000085%; no homozygotes.

Submission:

Ambry Genetics
Classification: Uncertain significance for Inborn genetic diseases. Last evaluated: 2026-05-27. Review status: criteria provided, single submitter. Criteria: Ambry Variant Classification Scheme 2023. Collection method: clinical testing. Allele origin: germline.
Comment: The c.5162T>G (p.V1721G) alteration is located in exon 11 (coding exon 10) of the COL6A3 gene. This alteration results from a T to G substitution at nucleotide position 5162, causing the valine (V) at amino acid position 1721 to be replaced by a glycine (G). Based on data from gnomAD, the G allele has an overall frequency of <0.001% (1/251438) total alleles studied. The highest observed frequency was 0.001% (1/113736) of European (non-Finnish) alleles. Based on insufficient or conflicting evidence, the clinical significance of this alteration remains unclear.

NM_004369.4(COL6A3):c.5162T>G (p.Val1721Gly)

Gene: COL6A3 (collagen type VI alpha 3 chain; minus strand). Cytogenetic location: 2q37.3.
Variant type: single nucleotide variant.
Coding change: c.5162T>G on transcript NM_004369.4 (MANE Select); coding-DNA position 5162, T replaced by G.
Protein change: p.Val1721Gly; replaces valine 1721 with glycine.
Molecular consequence: missense variant.
Genome position (GRCh38, 1-based): chr2:237,367,025, A>C on the plus strand (T>G on the coding strand, the complement: COL6A3 is on the minus strand). VCF-style: chr2-237367025-A-C. GRCh37 (hg19) VCF-style: chr2-238275668-A-C.
Other names: c.3341T>G, p.Val1114Gly (NM_057166.5); c.4544T>G, p.Val1515Gly (NM_057167.4); short protein forms V1114G, V1515G, V1721G.
Identifiers: ClinVar variation 4869295 (VCV004869295.1).
Genomic context (GRCh38, chr2:237,367,025, plus strand): 5'-TGGTCCAGGCGGCTGCCTGCCTCAGGCACAAAGTGGTTTACCCGCAGGTGCTCAAGGCCC[A>C]CCTTAGTGTTGGCGTGTCTTCCCCCTTTGTAGACCACTTTGTTGATGGCGTCAATAATCT-3'
Protein context (NP_004360.2, residues 1711-1731): YKGGRHANTK[Val1721Gly]GLEHLRVNHF